The following is an entry in ClinVar:

ClinVar aggregate classification (germline): Uncertain significance. Review status: criteria provided, multiple submitters, no conflicts (2 of 4 stars). 2 submissions from 2 submitters: Uncertain significance (2). Last evaluated 2025-07-23.

Conditions:
Hereditary cancer-predisposing syndrome. Also called: Tumor predisposition; Neoplastic Syndromes, Hereditary; Hereditary neoplastic syndrome; Hereditary Cancer Syndrome. Identifiers: Orphanet 140162, MedGen C0027672, MeSH D009386, MONDO:0015356.
EGFR-related lung cancer (EGFR). Identifiers: MedGen CN130014.

Allele frequency attached by ClinVar (database versions not stated): gnomAD exomes 0.00001; ExAC 0.00002.
gnomAD v4.1: 4 of 1,614,176 alleles (0.00025%); highest among the groups gnomAD compares: East Asian, 0.0022%; no homozygotes.

Submissions (2):

Labcorp Genetics (formerly Invitae), Labcorp
Classification: Uncertain significance for EGFR-related lung cancer. Last evaluated: 2025-07-23. Review status: criteria provided, single submitter. Criteria: Invitae Variant Classification Sherloc (09022015). Collection method: clinical testing. Allele origin: germline.
Comment: This sequence change replaces asparagine, which is neutral and polar, with serine, which is neutral and polar, at codon 1169 of the EGFR protein (p.Asn1169Ser). This variant is present in population databases (rs751701731, gnomAD 0.006%). This variant has not been reported in the literature in individuals affected with EGFR-related conditions. ClinVar contains an entry for this variant (Variation ID: 1017073). An algorithm developed to predict the effect of missense changes on protein structure and function (PolyPhen-2) suggests that this variant is likely to be disruptive. In summary, the available evidence is currently insufficient to determine the role of this variant in disease. Therefore, it has been classified as a Variant of Uncertain Significance.

Ambry Genetics
Classification: Uncertain significance for Hereditary cancer-predisposing syndrome. Last evaluated: 2024-11-22. Review status: criteria provided, single submitter. Criteria: Ambry Variant Classification Scheme 2023. Collection method: clinical testing. Allele origin: germline.
Comment: The p.N1169S variant (also known as c.3506A>G), located in coding exon 28 of the EGFR gene, results from an A to G substitution at nucleotide position 3506. The asparagine at codon 1169 is replaced by serine, an amino acid with highly similar properties. This amino acid position is conserved. In addition, this alteration is predicted to be tolerated by in silico analysis. Based on the available evidence, the clinical significance of this variant remains unclear.

NM_005228.5(EGFR):c.3506A>G (p.Asn1169Ser)

Gene: EGFR (epidermal growth factor receptor; plus strand). Cytogenetic location: 7p11.2.
Variant type: single nucleotide variant.
Coding change: c.3506A>G on transcript NM_005228.5 (MANE Select); coding-DNA position 3506, A replaced by G.
Protein change: p.Asn1169Ser; replaces asparagine 1169 with serine.
Molecular consequence: missense variant.
Genome position (GRCh38, 1-based): chr7:55,205,490, A>G. VCF-style: chr7-55205490-A-G. GRCh37 (hg19) VCF-style: chr7-55273183-A-G.
Other names: c.3371A>G, p.Asn1124Ser (NM_001346899.2); c.3347A>G, p.Asn1116Ser (NM_001346900.2); c.2705A>G, p.Asn902Ser (NM_001346941.2); c.3506A>G (NM_005228.3); short protein forms N1116S, N1124S, N1169S, N902S.
Identifiers: ClinVar variation 1017073 (VCV001017073.9), dbSNP rs751701731, ClinGen allele CA4266412.